The following is an entry in ClinVar:

ClinVar aggregate classification (germline): Uncertain significance (1 of 4 stars; one submission).

Conditions:
Familial thoracic aortic aneurysm and aortic dissection (TAAD). Also called: Thoracic aortic aneurysms and dissections. Identifiers: Orphanet 91387, MedGen C4707243, MONDO:0019625.

Submission:

Ambry Genetics
Classification: Uncertain significance for Familial thoracic aortic aneurysm and aortic dissection. Last evaluated: 2022-02-16. Review status: criteria provided, single submitter. Criteria: Ambry Variant Classification Scheme 2023. Collection method: clinical testing. Allele origin: germline.
Comment: The p.D266V variant (also known as c.797A>T), located in coding exon 11 of the COL5A2 gene, results from an A to T substitution at nucleotide position 797. The aspartic acid at codon 266 is replaced by valine, an amino acid with highly dissimilar properties. This amino acid position is highly conserved in available vertebrate species. In addition, this alteration is predicted to be deleterious by in silico analysis. Since supporting evidence is limited at this time, the clinical significance of this alteration remains unclear.

NM_000393.5(COL5A2):c.797A>T (p.Asp266Val)

Gene: COL5A2 (collagen type V alpha 2 chain; minus strand). Cytogenetic location: 2q32.2.
Variant type: single nucleotide variant.
Coding change: c.797A>T on transcript NM_000393.5 (MANE Select); coding-DNA position 797, A replaced by T.
Protein change: p.Asp266Val; replaces aspartic acid 266 with valine.
Molecular consequence: missense variant.
Genome position (GRCh38, 1-based): chr2:189,085,161, T>A on the plus strand (A>T on the coding strand, the complement: COL5A2 is on the minus strand). VCF-style: chr2-189085161-T-A. GRCh37 (hg19) VCF-style: chr2-189949887-T-A.
Other names: short protein forms D266V.
Identifiers: ClinVar variation 1761448 (VCV001761448.2), dbSNP rs2469355236, ClinGen allele CA349858229.